The following is an entry in ClinVar:

NM_133642.5(LARGE1):c.408+144G>A

Gene: LARGE1 (LARGE xylosyl- and glucuronyltransferase 1; minus strand). Cytogenetic location: 22q12.3.
Variant type: single nucleotide variant.
Coding change: c.408+144G>A on transcript NM_133642.5 (MANE Select); 144 bases into the intron after coding-DNA position 408, G replaced by A.
Molecular consequence: intron variant.
Genome position (GRCh38, 1-based): chr22:33,650,223, C>T on the plus strand (G>A on the coding strand, the complement: LARGE1 is on the minus strand). VCF-style: chr22-33650223-C-T. GRCh37 (hg19) VCF-style: chr22-34046209-C-T.
Other names: c.408+144G>A (NM_001362953.2, NM_001362949.2, NM_001378627.1 and 7 more transcripts).
Identifiers: ClinVar variation 676967 (VCV000676967.2), dbSNP rs5994783, ClinGen allele CA323755343.

ClinVar aggregate classification (germline): Benign. Review status: criteria provided, multiple submitters, no conflicts (2 of 4 stars). 2 submissions from 2 submitters: Benign (2). Last evaluated 2018-06-19.

Allele frequency attached by ClinVar (database versions not stated): gnomAD 0.10734 and 0.11500; 1000 Genomes Project 0.11901; TOPMed 0.12027; 1000 Genomes Project 30x 0.12664.
gnomAD v4.1: 28,454 of 1,017,814 alleles (2.8%); highest among the groups gnomAD compares: African/African-American, 37%; 4,493 homozygotes.

Submissions (2):

GeneDx
Classification: Benign. Last evaluated: 2018-06-19. Review status: criteria provided, single submitter. Criteria: GeneDx Variant Classification (06012015). Collection method: clinical testing. Allele origin: germline. Affected: yes.
Comment: This variant is considered likely benign or benign based on one or more of the following criteria: it is a conservative change, it occurs at a poorly conserved position in the protein, it is predicted to be benign by multiple in silico algorithms, and/or has population frequency not consistent with disease.

Breakthrough Genomics
Classification: Benign. Review status: criteria provided, single submitter. Criteria: ACMG Guidelines, 2015. Collection method: not provided. Allele origin: germline. Inheritance: Autosomal recessive inheritance. Affected: yes.